The following is an entry in ClinVar:

ClinVar aggregate classification (germline): Pathogenic (1 of 4 stars; one submission).

Conditions:
Wilson disease (WND). Also called: Wilson's disease. Identifiers: Orphanet 905, MedGen C0019202, MONDO:0010200, OMIM 277900. Disease mechanism: loss of function.

Submission:

Myriad Genetics, Inc.
Classification: Pathogenic for Wilson disease. Last evaluated: 2026-02-25. Review status: criteria provided, single submitter. Criteria: Myriad Autosomal Dominant, Autosomal Recessive and X-Linked Classification Criteria (2023). Collection method: clinical testing. Allele origin: unknown.
Comment: NM_000053.3(ATP7B):c.1159dupG(V387Gfs*18) is expected to be pathogenic in the context of Wilson disease. This variant is predicted to lead to an abnormal or absent protein product due to the creation of a premature termination codon in ATP7B, a gene where loss-of-function variants are known to be pathogenic. Please note: this variant was assessed in the context of healthy population screening.

NM_000053.4(ATP7B):c.1159dup (p.Val387fs)

Gene: ATP7B (ATPase copper transporting beta; minus strand). Cytogenetic location: 13q14.3.
Variant type: Duplication.
Coding change: c.1159dup on transcript NM_000053.4 (MANE Select); coding-DNA position 1159, one base duplicated (G; older notation c.1159dupG).
Protein change: p.Val387fs; shifts the reading frame from valine 387.
Molecular consequence: frameshift variant.
Genome position (GRCh38, 1-based): chr13:51,974,061, C duplicated on the plus strand (G on the coding strand, the reverse complement: ATP7B is on the minus strand); the first of 4 consecutive C bases (chr13:51,974,061-51,974,064); duplicating any one gives the same sequence. VCF-style (leftmost placement, unchanged base first): chr13-51974060-A-AC. GRCh37 (hg19) VCF-style: chr13-52548196-A-AC.
Other names: c.1159dup, p.Val387fs (NM_001005918.3, NM_001330578.2, NM_001330579.2 and 29 more transcripts); c.826dup, p.Val276fs (NM_001243182.2); c.1063dup, p.Val355fs (NM_001406517.1, NM_001406518.1, NM_001406530.1 and 3 more transcripts); c.730dup, p.Val244fs (NM_001406539.1); short protein forms V244fs, V276fs, V355fs, V387fs.
Identifiers: ClinVar variation 5015605 (VCV005015605.1).